The following is an entry in ClinVar:

NM_025216.3(WNT10A):c.959C>G (p.Pro320Arg)

Gene: WNT10A (Wnt family member 10A; plus strand). Cytogenetic location: 2q35.
Variant type: single nucleotide variant.
Coding change: c.959C>G on transcript NM_025216.3 (MANE Select); coding-DNA position 959, C replaced by G.
Protein change: p.Pro320Arg; replaces proline 320 with arginine.
Molecular consequence: missense variant.
Genome position (GRCh38, 1-based): chr2:218,892,976, C>G. VCF-style: chr2-218892976-C-G. GRCh37 (hg19) VCF-style: chr2-219757698-C-G.
Other names: short protein forms P320R.
Identifiers: ClinVar variation 581309 (VCV000581309.6), dbSNP rs974508350, ClinGen allele CA65919154.

ClinVar aggregate classification (germline): Uncertain significance (1 of 4 stars; one submission).

Conditions:
Odonto-onycho-dermal dysplasia. Identifiers: Orphanet 2721, MedGen C0796093, MONDO:0009773, OMIM 257980.
Tooth agenesis, selective, 4 (STHAG4). Also called: LATERAL INCISORS, ABSENCE OF; LATERAL INCISORS, PEGGED OR MISSING; SUCCEDANEOUS TEETH, AGENESIS OF; TOOTH AGENESIS, SELECTIVE, 4, WITH OR WITHOUT ECTODERMAL DYSPLASIA. Identifiers: Orphanet 99798, MedGen C1835492, MONDO:0007881, OMIM 150400. Disease mechanism: loss of function.

Allele frequency attached by ClinVar (database versions not stated): gnomAD 0.00001; TOPMed 0.00001.
gnomAD v4.1: 1 of 1,455,764 alleles (0.000069%); highest among the groups gnomAD compares: African/African-American, 0.0015%; no homozygotes.

Submission:

Labcorp Genetics (formerly Invitae), Labcorp
Classification: Uncertain significance for Tooth agenesis, selective, 4; Odonto-onycho-dermal dysplasia. Last evaluated: 2021-09-01. Review status: criteria provided, single submitter. Criteria: Invitae Variant Classification Sherloc (09022015). Collection method: clinical testing. Allele origin: germline.
Comment: This sequence change replaces proline with arginine at codon 320 of the WNT10A protein (p.Pro320Arg). The proline residue is moderately conserved and there is a moderate physicochemical difference between proline and arginine. The frequency data for this variant in the population databases is considered unreliable, as metrics indicate insufficient coverage at this position in the ExAC database. This variant has not been reported in the literature in individuals affected with WNT10A-related conditions. Algorithms developed to predict the effect of missense changes on protein structure and function (SIFT, PolyPhen-2, Align-GVGD) all suggest that this variant is likely to be tolerated. In summary, the available evidence is currently insufficient to determine the role of this variant in disease. Therefore, it has been classified as a Variant of Uncertain Significance.